The following is an entry in ClinVar:

NM_001267550.2(TTN):c.77437C>T (p.Gln25813Ter)

Genes: TTN (titin; minus strand), TTN-AS1 (TTN antisense RNA 1; plus strand). Cytogenetic location: 2q31.2.
Variant type: single nucleotide variant.
Coding change: c.77437C>T on transcript NM_001267550.2 (MANE Select); coding-DNA position 77437, C replaced by T.
Protein change: p.Gln25813Ter; replaces glutamine 25813 with a stop codon.
Molecular consequence: nonsense.
Genome position (GRCh38, 1-based): chr2:178,568,695, G>A on the plus strand (C>T on the coding strand, the complement: TTN is on the minus strand). VCF-style: chr2-178568695-G-A. GRCh37 (hg19) VCF-style: chr2-179433422-G-A.
Other names: p.Q24172*:CAA>TAA; c.69733C>T, p.Gln23245Ter (NM_133378.4); c.50617C>T, p.Gln16873Ter (NM_133432.3); c.50818C>T, p.Gln16940Ter (NM_133437.4); c.72514C>T, p.Gln24172Ter (NM_001256850.1); c.50242C>T, p.Gln16748Ter (NM_003319.4); short protein forms Q24172*, Q25813*, Q16748*, Q23245*, Q16873*, Q16940*.
Identifiers: ClinVar variation 202407 (VCV000202407.13), dbSNP rs794729287, ClinGen allele CA309318.

ClinVar aggregate classification (germline): Pathogenic/Likely pathogenic. Review status: criteria provided, multiple submitters, no conflicts (2 of 4 stars). 3 submissions from 3 submitters: Pathogenic (1); Likely pathogenic (2). Last evaluated 2025-12-20.

Conditions:
Cardiovascular phenotype. Identifiers: MedGen CN230736.
Dilated cardiomyopathy 1G (CMD1G). Identifiers: Orphanet 154, MedGen C1858763, MONDO:0011400, OMIM 604145.
Autosomal recessive limb-girdle muscular dystrophy type 2J (LGMDR10). Also called: MUSCULAR DYSTROPHY, LIMB-GIRDLE, AUTOSOMAL RECESSIVE 10; Limb-girdle muscular dystrophy, type 2J. Identifiers: Orphanet 140922, MedGen C1837342, MONDO:0012127, OMIM 608807.

Submissions (3):

Labcorp Genetics (formerly Invitae), Labcorp
Classification: Likely pathogenic for Dilated cardiomyopathy 1G; Autosomal recessive limb-girdle muscular dystrophy type 2J. Last evaluated: 2025-12-20. Review status: criteria provided, single submitter. Criteria: Invitae Variant Classification Sherloc (09022015). Collection method: clinical testing. Allele origin: germline.
Comment: This sequence change creates a premature translational stop signal (p.Gln25813*) in the TTN gene. While this is not anticipated to result in nonsense mediated decay, it is expected to create a truncated TTN protein. This variant is not present in population databases (gnomAD no frequency). This variant has not been reported in the literature in individuals affected with TTN-related conditions. ClinVar contains an entry for this variant (Variation ID: 202407). This variant is located in the A band of TTN (PMID: 25589632). Truncating variants in this region are significantly overrepresented in patients affected with dilated cardiomyopathy (PMID: 25589632). Truncating variants in this region have also been reported in individuals affected with autosomal recessive centronuclear myopathy (PMID: 23975875). In summary, the currently available evidence indicates that the variant is pathogenic, but additional data are needed to prove that conclusively. Therefore, this variant has been classified as Likely Pathogenic.

Ambry Genetics
Classification: Likely pathogenic for Cardiovascular phenotype. Last evaluated: 2025-08-05. Review status: criteria provided, single submitter. Criteria: Ambry Variant Classification Scheme 2023. Collection method: clinical testing. Allele origin: germline.
Comment: The p.Q16748* variant (also known as c.50242C>T), located in coding exon 153 of the TTN gene, results from a C to T substitution at nucleotide position 50242. This changes the amino acid from a glutamine to a stop codon within coding exon 153. This exon is located in the A-band region of the N2-B isoform of the titin protein and is constitutively expressed in TTN transcripts (percent spliced in or PSI 100%). This variant was reported in individual(s) with features consistent with dilated cardiomyopathy (Ambry internal data). This variant is considered to be rare based on population cohorts in the Genome Aggregation Database (gnomAD). This variant is expected to result in loss of function by premature protein truncation or nonsense-mediated mRNA decay. While truncating variants in TTN are present in 1-3% of the general population, truncating variants in the A-band are the most common cause of dilated cardiomyopathy (Herman DS et al. N. Engl. J. Med., 2012 Feb;366:619-28; Roberts AM et al. Sci Transl Med, 2015 Jan;7:270ra6). TTN truncating variants encoded in constitutive exons (PSI >90%) have been found to be significantly associated with DCM regardless of their position in titin (Schafer S et al. Nat. Genet., 2017 01;49:46-53; Akhtar MM et al. Circ Heart Fail, 2020 Oct;13:e006832; Massier M et al. Clin Genet, 2025 Jan). Based on the majority of available evidence to date, this variant is likely to be pathogenic.

GeneDx
Classification: Pathogenic. Last evaluated: 2017-12-12. Review status: criteria provided, single submitter. Criteria: GeneDx Variant Classification (06012015). Collection method: clinical testing. Allele origin: germline. Affected: yes.
Comment: The Q24172X pathogenic variant in the TTN gene has not been published to our knowledge. This variant is not observed in large population cohorts (Lek et al., 2016). In addition, Q24172X variant is predicted to cause loss of normal protein function either due to production of an abnormal, prematurely truncated protein, or by absence of protein product due to nonsense mediated mRNA decay. Although other truncating TTN variants have been reported in approximately 3% of control alleles (Herman et al., 2012), Q24172X is located in the A-band region of titin, where the majority of truncating pathogenic variants associated with DCM have been reported (Herman et al., 2012).In summary, Q24172X in the TTN gene is interpreted as a pathogenic variant. In summary, Q24172X in the TTN gene is interpreted as a likely pathogenic variant.

Literature cited by the submitters: PubMed 25589632 (cited by Labcorp Genetics (formerly Invitae), Labcorp); PubMed 23975875 (cited by Labcorp Genetics (formerly Invitae), Labcorp).